The following is an entry in ClinVar:

ClinVar aggregate classification (germline): Likely pathogenic. Review status: reviewed by expert panel (3 of 4 stars). 4 submissions from 4 submitters: Likely pathogenic (1). 3 of the submissions do not count toward it. Last evaluated 2023-03-27.

Conditions:
Very long chain acyl-CoA dehydrogenase deficiency (ACADVLD). Also called: Very Long-Chain Acyl-Coenzyme A Dehydrogenase Deficiency; VLCAD Deficiency. Identifiers: Orphanet 26793, MedGen C3887523, MONDO:0008723, OMIM 201475.

Submissions (4):

ClinGen ACADVL Variant Curation Expert Panel, ClinGen
Classification: Likely pathogenic for Very long chain acyl-CoA dehydrogenase deficiency. Last evaluated: 2023-03-27. Review status: reviewed by expert panel. Criteria: clingen acadvl acmg specifications v1. Collection method: curation. Allele origin: germline. Inheritance: Autosomal recessive inheritance.
Comment: NM_000018.4(ACADVL): c.1730_1733dup (p.Met578Ilefs*15) variant in ACADVL is a frameshift variant predicted to cause a premature stop codon in biologically-relevant-exon 18 leading to nonsense mediated decay in a gene in which loss-of-function is an established disease mechanism (PVS1; PMIDs 9973285, 11590124). At least one individual with this variant was identified by newborn screen, but this information is insufficient for to use toward classification (PMID: 26385305). This variant is absent from gnomAD v2.1.1 (PM2_Supporting). In summary, this variant meets the criteria to be classified as likely pathogenic for autosomal recessive very long chain acyl-CoA dehydrogenase (VLCAD) deficiency based on the ACMG/AMP criteria applied, as specified by the ClinGen ACADVL Variant Curation Expert Panel: PVS1, PM2_Supporting.

Women's Health and Genetics/Laboratory Corporation of America, LabCorp
Classification: Likely pathogenic for Very long chain acyl-CoA dehydrogenase deficiency. Last evaluated: 2020-05-08. Review status: criteria provided, single submitter. Criteria: LabCorp Variant Classification Summary - May 2015. Collection method: clinical testing. Allele origin: germline. Not counted in ClinVar's aggregate classification.
Comment: Variant summary: ACADVL c.1730_1733dupCCAT (p.Met578IlefsX15) results in a premature termination codon, predicted to cause a truncation of the encoded protein or absence of the protein due to nonsense mediated decay, which are commonly known mechanisms for disease. Truncations downstream of this position have been classified as pathogenic by our laboratory. The variant was absent in 213112 control chromosomes. c.1730_1733dupCCAT has been reported in the literature in an individual with positive newborn screening for Very Long Chain Acyl-CoA Dehydrogenase Deficiency (Miller_2015). To our knowledge, no experimental evidence demonstrating an impact on protein function has been reported. No clinical diagnostic laboratories have submitted clinical-significance assessments for this variant to ClinVar after 2014. Based on the evidence outlined above, the variant was classified as likely pathogenic.

Wong Mito Lab, Molecular and Human Genetics, Baylor College of Medicine
Classification: Pathogenic for Very long chain acyl-CoA dehydrogenase deficiency. Last evaluated: 2019-11-01. Review status: criteria provided, single submitter. Criteria: ACMG Guidelines, 2015. Collection method: clinical testing. Allele origin: germline. Not counted in ClinVar's aggregate classification.
Comment: The NM_000018.3:c.1730_1733dupCCAT (NP_000009.1:p.Met578IlefsTer15) [GRCH38: NC_000017.11:g.7224693_7224696dup] variant in ACADVL gene is interpretated to be Pathogenic based on ACMG guidelines (PMID: 25741868). This variant has been reported. This variant meets the following evidence codes reported in the ACMG guidelines: PVS1, PS3

Natera, Inc.
Classification: Likely pathogenic for Very long chain acyl-CoA dehydrogenase deficiency. Last evaluated: 2020-03-27. Review status: no assertion criteria provided. Collection method: clinical testing. Allele origin: germline. Not counted in ClinVar's aggregate classification.

Literature cited by the submitters: PubMed 26385305 (cited by Women's Health and Genetics/Laboratory Corporation of America, LabCorp).

NM_000018.4(ACADVL):c.1730_1733dup (p.Met578fs)

Gene: ACADVL (acyl-CoA dehydrogenase very long chain; plus strand). Cytogenetic location: 17p13.1.
Variant type: Duplication.
Coding change: c.1730_1733dup on transcript NM_000018.4 (MANE Select); coding-DNA positions 1730 to 1733, 4 bases duplicated (CCAT; older notation c.1730_1733dupCCAT).
Protein change: p.Met578fs; shifts the reading frame from methionine 578.
Molecular consequence: frameshift variant.
Genome position (GRCh38, 1-based): chr17:7,224,693-7,224,696, CCAT duplicated. VCF-style (leftmost placement, unchanged base first): chr17-7224692-G-GCCAT. GRCh37 (hg19) VCF-style: chr17-7128011-G-GCCAT.
Other names: NM_000018.4(ACADVL):c.1730_1733dup; p.Met578fs; c.1664_1667dup, p.Met556fs (NM_001033859.3); c.1799_1802dup, p.Met601fs (NM_001270447.2); c.1502_1505dup, p.Met502fs (NM_001270448.2); short protein forms M556fs, M601fs, M578fs, M502fs.
Identifiers: ClinVar variation 932176 (VCV000932176.7), dbSNP rs2071395559, ClinGen allele CA1139665160.